The following is an entry in ClinVar:

NM_000400.4(ERCC2):c.2083C>T (p.Arg695Cys)

Gene: ERCC2 (ERCC excision repair 2, TFIIH core complex helicase subunit; minus strand). Cytogenetic location: 19q13.32.
Variant type: single nucleotide variant.
Coding change: c.2083C>T on transcript NM_000400.4 (MANE Select); coding-DNA position 2083, C replaced by T.
Protein change: p.Arg695Cys; replaces arginine 695 with cysteine.
Molecular consequence: missense variant.
Genome position (GRCh38, 1-based): chr19:45,352,316, G>A on the plus strand (C>T on the coding strand, the complement: ERCC2 is on the minus strand). VCF-style: chr19-45352316-G-A. GRCh37 (hg19) VCF-style: chr19-45855574-G-A.
Other names: short protein forms R695C.
Identifiers: ClinVar variation 134101 (VCV000134101.13), dbSNP rs201392911, ClinGen allele CA158770.

ClinVar aggregate classification (germline): Uncertain significance. Review status: criteria provided, multiple submitters, no conflicts (2 of 4 stars). 5 submissions from 5 submitters: Uncertain significance (4). 1 of the submissions does not count toward it. Last evaluated 2022-10-08.

Conditions:
Inborn genetic diseases. Identifiers: MedGen C0950123, MeSH D030342.
Xeroderma pigmentosum, group D (XPD). Also called: ERCC2-Related Xeroderma Pigmentosum; XP, GROUP H; XERODERMA PIGMENTOSUM IV; XP, GROUP D; XERODERMA PIGMENTOSUM, COMPLEMENTATION GROUP D. Identifiers: MedGen C0268138, MONDO:0010212, OMIM 278730.

Allele frequency attached by ClinVar (database versions not stated): ESP Exome Variant Server 0.00015; 1000 Genomes Project 30x 0.00016; 1000 Genomes Project 0.00020; gnomAD exomes 0.00014.
gnomAD v4.1: 280 of 1,614,088 alleles (0.017%); highest among the groups gnomAD compares: Admixed American, 0.022%; no homozygotes.

Submissions (5):

Labcorp Genetics (formerly Invitae), Labcorp
Classification: Uncertain significance. Last evaluated: 2022-10-08. Review status: criteria provided, single submitter. Criteria: Invitae Variant Classification Sherloc (09022015). Collection method: clinical testing. Allele origin: germline.
Comment: This sequence change replaces arginine, which is basic and polar, with cysteine, which is neutral and slightly polar, at codon 695 of the ERCC2 protein (p.Arg695Cys). This variant is present in population databases (rs201392911, gnomAD 0.03%). This variant has not been reported in the literature in individuals affected with ERCC2-related conditions. ClinVar contains an entry for this variant (Variation ID: 134101). Advanced modeling of protein sequence and biophysical properties (such as structural, functional, and spatial information, amino acid conservation, physicochemical variation, residue mobility, and thermodynamic stability) performed at Invitae indicates that this missense variant is not expected to disrupt ERCC2 protein function. In summary, the available evidence is currently insufficient to determine the role of this variant in disease. Therefore, it has been classified as a Variant of Uncertain Significance.

Women's Health and Genetics/Laboratory Corporation of America, LabCorp
Classification: Uncertain significance. Last evaluated: 2022-03-02. Review status: criteria provided, single submitter. Criteria: LabCorp Variant Classification Summary - May 2015. Collection method: clinical testing. Allele origin: germline.
Comment: Variant summary: ERCC2 c.2083C>T (p.Arg695Cys) results in a non-conservative amino acid change located in the ATP-dependent helicase, C-terminal domain (IPR006555) of the encoded protein sequence. Five of five in-silico tools predict a damaging effect of the variant on protein function. The variant allele was found at a frequency of 0.00014 in 251314 control chromosomes (gnomAD). This frequency is not significantly higher than expected for a pathogenic variant in ERCC2 causing Xeroderma Pigmentosum (0.00014 vs 0.00061), allowing no conclusion about variant significance. c.2083C>T has been reported in the literature in individuals affected with medulloblastoma (Trubicka_2017) and Osteosarcoma (Zhang_2015). These reports do not provide unequivocal conclusions about association of the variant with Xeroderma Pigmentosum or Trichothiodystrophy. To our knowledge, no experimental evidence demonstrating an impact on protein function has been reported. Two ClinVar submitters have assessed this variant since 2014: all have classified the variant as of uncertain significance. Based on the evidence outlined above, the variant was classified as uncertain significance.

Ambry Genetics
Classification: Uncertain significance for Inborn genetic diseases. Last evaluated: 2017-06-27. Review status: criteria provided, single submitter. Criteria: Ambry exome assertion method (8-5-2015). Collection method: clinical testing. Allele origin: germline. Affected: yes. Observed: 1 variant allele.

Illumina Laboratory Services, Illumina
Classification: Uncertain significance for Xeroderma pigmentosum, group D. Last evaluated: 2017-04-27. Review status: criteria provided, single submitter. Criteria: ICSL Variant Classification Criteria 13 December 2019. Collection method: clinical testing. Allele origin: germline.

ITMI
No classification provided. Condition: AllHighlyPenetrant. Last evaluated: 2013-09-19. Review status: no classification provided. Collection method: reference population. Allele origin: germline. Not counted in ClinVar's aggregate classification.
Comment: Please see associated publication for description of ethnicities

Literature cited by the submitters: PubMed 26580448 (cited by Women's Health and Genetics/Laboratory Corporation of America, LabCorp); PubMed 28376765 (cited by Women's Health and Genetics/Laboratory Corporation of America, LabCorp); PubMed 24728327 (cited by ITMI).